The following is an entry in ClinVar:

ClinVar aggregate classification (germline): Uncertain significance (1 of 4 stars; one submission).

Submission:

Ambry Genetics
Classification: Uncertain significance. Last evaluated: 2023-01-04. Review status: criteria provided, single submitter. Criteria: Ambry Variant Classification Scheme 2023. Collection method: clinical testing. Allele origin: germline.
Comment: The c.592delG variant, located in coding exon 5 of the RINT1 gene, results from a deletion of one nucleotide at nucleotide position 592, causing a translational frameshift with a predicted alternate stop codon (p.D198Tfs*16). This alteration is expected to result in loss of function by premature protein truncation or nonsense-mediated mRNA decay. The evidence for this gene-disease relationship is limited; therefore, the clinical significance of this alteration is unclear.

NM_021930.6(RINT1):c.592del (p.Asp198fs)

Gene: RINT1 (RAD50 interactor 1; plus strand). Cytogenetic location: 7q22.3.
Variant type: Deletion.
Coding change: c.592del on transcript NM_021930.6 (MANE Select); coding-DNA position 592, one base deleted (G; older notation c.592delG).
Protein change: p.Asp198fs; shifts the reading frame from aspartic acid 198.
Molecular consequence: frameshift variant. On other transcripts: 5 prime UTR variant (2), non-coding transcript variant (1), intron variant (1).
Genome position (GRCh38, 1-based): chr7:105,546,986, G deleted. VCF-style (leftmost placement, unchanged base first): chr7-105546985-TG-T. GRCh37 (hg19) VCF-style: chr7-105187432-TG-T.
Other names: c.358del, p.Asp120fs (NM_001346599.2); c.-428del (NM_001346600.2); c.-331del (NM_001346601.2); c.-27-3069del (NM_001346603.2); short protein forms D198fs, D120fs.
Identifiers: ClinVar variation 2448408 (VCV002448408.2), dbSNP rs2485122815, ClinGen allele CA2580076114.
Genomic context (GRCh38, chr7:105,546,985, plus strand): 5'-ATATCTGATGACCAATAATGTACCGGAGGCAGCCTCCACTCTAGTGTCTATGGCAGAACT[TG>T]ACATTAAACTTCAGGAATCATCTTGTACTCATCTTCTTGGTTTCATGAGAGCCACAGTTA-3'